The following is an entry in ClinVar:

NM_000053.4(ATP7B):c.3550A>G (p.Ile1184Val)

Gene: ATP7B (ATPase copper transporting beta; minus strand). Cytogenetic location: 13q14.3.
Variant type: single nucleotide variant.
Coding change: c.3550A>G on transcript NM_000053.4 (MANE Select); coding-DNA position 3550, A replaced by G.
Protein change: p.Ile1184Val; replaces isoleucine 1184 with valine.
Molecular consequence: missense variant.
Genome position (GRCh38, 1-based): chr13:51,941,087, T>C on the plus strand (A>G on the coding strand, the complement: ATP7B is on the minus strand). VCF-style: chr13-51941087-T-C. GRCh37 (hg19) VCF-style: chr13-52515223-T-C.
Other names: c.2929A>G, p.Ile977Val (NM_001005918.3); c.3217A>G, p.Ile1073Val (NM_001243182.2); c.3316A>G, p.Ile1106Val (NM_001330578.2); c.3298A>G, p.Ile1100Val (NM_001330579.2); short protein forms I1184V, I977V, I1073V, I1100V, I1106V.
Identifiers: ClinVar variation 374482 (VCV000374482.45), dbSNP rs1057519121, ClinGen allele CA16043757.

ClinVar aggregate classification (germline): Uncertain significance. Review status: criteria provided, multiple submitters, no conflicts (2 of 4 stars). 3 submissions from 3 submitters: Uncertain significance (3). Last evaluated 2025-06-03.

Conditions:
Wilson disease (WND). Also called: Wilson's disease. Identifiers: Orphanet 905, MedGen C0019202, MONDO:0010200, OMIM 277900. Disease mechanism: loss of function.

Allele frequency attached by ClinVar (database versions not stated): gnomAD exomes below 0.00001; TOPMed below 0.00001; gnomAD 0.00001.
gnomAD v4.1: 3 of 1,614,088 alleles (0.00019%); highest among the groups gnomAD compares: East Asian, 0.0022%; no homozygotes.

Submissions (3):

Color Diagnostics, LLC DBA Color Health
Classification: Uncertain significance for Wilson disease. Last evaluated: 2025-06-03. Review status: criteria provided, single submitter. Criteria: ACMG Guidelines, 2015. Collection method: clinical testing. Allele origin: germline.
Comment: This missense variant replaces isoleucine with valine at codon 1184 of the ATP7B protein. Computational prediction suggests that this variant may not impact protein structure and function To our knowledge, functional studies have not been reported for this variant. This variant has not been reported in individuals affected with ATP7B-related disorders in the literature. This variant has not been identified in the general population by the Genome Aggregation Database (gnomAD). The available evidence is insufficient to determine the role of this variant in disease conclusively. Therefore, this variant is classified as a Variant of Uncertain Significance.

Labcorp Genetics (formerly Invitae), Labcorp
Classification: Uncertain significance for Wilson disease. Last evaluated: 2022-08-13. Review status: criteria provided, single submitter. Criteria: Invitae Variant Classification Sherloc (09022015). Collection method: clinical testing. Allele origin: germline.
Comment: This sequence change replaces isoleucine, which is neutral and non-polar, with valine, which is neutral and non-polar, at codon 1184 of the ATP7B protein (p.Ile1184Val). This variant is not present in population databases (gnomAD no frequency). This variant has not been reported in the literature in individuals affected with ATP7B-related conditions. ClinVar contains an entry for this variant (Variation ID: 374482). Advanced modeling of protein sequence and biophysical properties (such as structural, functional, and spatial information, amino acid conservation, physicochemical variation, residue mobility, and thermodynamic stability) performed at Invitae indicates that this missense variant is not expected to disrupt ATP7B protein function. This variant disrupts the p.Ile1184 amino acid residue in ATP7B. Other variant(s) that disrupt this residue have been determined to be pathogenic (PMID: 23518715, 25678388, 32770663). This suggests that this residue is clinically significant, and that variants that disrupt this residue are likely to be disease-causing. In summary, the available evidence is currently insufficient to determine the role of this variant in disease. Therefore, it has been classified as a Variant of Uncertain Significance.

CeGaT Center for Human Genetics Tuebingen
Classification: Uncertain significance. Last evaluated: 2016-08-01. Review status: criteria provided, single submitter. Criteria: CeGaT Center For Human Genetics Tuebingen Variant Classification Criteria Version 2. Collection method: clinical testing. Allele origin: germline. Affected: yes. Observed: 1 variant allele.

Literature cited by the submitters: PubMed 23518715 (cited by Labcorp Genetics (formerly Invitae), Labcorp); PubMed 25678388 (cited by Labcorp Genetics (formerly Invitae), Labcorp); PubMed 32770663 (cited by Labcorp Genetics (formerly Invitae), Labcorp).